The following is an entry in ClinVar:

NM_014159.7(SETD2):c.4034A>G (p.Asp1345Gly)

Gene: SETD2 (SET domain containing 2, histone lysine methyltransferase; minus strand). Cytogenetic location: 3p21.31.
Variant type: single nucleotide variant.
Coding change: c.4034A>G on transcript NM_014159.7 (MANE Select); coding-DNA position 4034, A replaced by G.
Protein change: p.Asp1345Gly; replaces aspartic acid 1345 with glycine.
Molecular consequence: missense variant. On other transcripts: non-coding transcript variant (1).
Genome position (GRCh38, 1-based): chr3:47,120,602, T>C on the plus strand (A>G on the coding strand, the complement: SETD2 is on the minus strand). VCF-style: chr3-47120602-T-C. GRCh37 (hg19) VCF-style: chr3-47162092-T-C.
Other names: c.3902A>G, p.Asp1301Gly (NM_001349370.3); short protein forms D1345G, D1301G.
Identifiers: ClinVar variation 952594 (VCV000952594.6), dbSNP rs200416051, ClinGen allele CA2363273.
Genomic context (GRCh38, chr3:47,120,602, plus strand): 5'-CCCTTGTCTTTCTGAAGGGATAGAAGAAATTTATCGGACTGGTCTGAAAAATGGGATCCA[T>C]CCTGTTGATCCCAATTCTCCTCTTCTTCACGATCATCTGTTAGGGAATCTGGTACTTGTC-3'
Protein context (NP_054878.5, residues 1335-1355): REEEENWDQQ[Asp1345Gly]GSHFSDQSDK

ClinVar aggregate classification (germline): Uncertain significance (1 of 4 stars; one submission).

Conditions:
Luscan-Lumish syndrome. Identifiers: Orphanet 597738, MedGen C4085873, MONDO:0014791, OMIM 616831.

Allele frequency attached by ClinVar (database versions not stated): gnomAD 0.00001 and 0.00002; ExAC 0.00002.
gnomAD v4.1: 13 of 1,613,742 alleles (0.00081%); highest among the groups gnomAD compares: Admixed American, 0.0033%; no homozygotes.

Submission:

Labcorp Genetics (formerly Invitae), Labcorp
Classification: Uncertain significance for Luscan-Lumish syndrome. Last evaluated: 2021-01-15. Review status: criteria provided, single submitter. Criteria: Invitae Variant Classification Sherloc (09022015). Collection method: clinical testing. Allele origin: germline.
Comment: In summary, the available evidence is currently insufficient to determine the role of this variant in disease. Therefore, it has been classified as a Variant of Uncertain Significance. Algorithms developed to predict the effect of missense changes on protein structure and function output the following: SIFT: "Tolerated"; PolyPhen-2: "Benign"; Align-GVGD: "Class C0". The glycine amino acid residue is found in multiple mammalian species, suggesting that this missense change does not adversely affect protein function. These predictions have not been confirmed by published functional studies and their clinical significance is uncertain. This variant has not been reported in the literature in individuals with SETD2-related conditions. This variant is present in population databases (rs200416051, ExAC 0.03%). This sequence change replaces aspartic acid with glycine at codon 1345 of the SETD2 protein (p.Asp1345Gly). The aspartic acid residue is weakly conserved and there is a moderate physicochemical difference between aspartic acid and glycine.